The following is an entry in ClinVar:

NM_206933.4(USH2A):c.9636C>T (p.Ile3212=)

Gene: USH2A (usherin; minus strand). Cytogenetic location: 1q41.
Variant type: single nucleotide variant.
Coding change: c.9636C>T on transcript NM_206933.4 (MANE Select); coding-DNA position 9636, C replaced by T.
Protein change: p.Ile3212=; no amino-acid change (isoleucine 3212 retained).
Molecular consequence: synonymous variant.
Genome position (GRCh38, 1-based): chr1:215,813,839, G>A on the plus strand (C>T on the coding strand, the complement: USH2A is on the minus strand). VCF-style: chr1-215813839-G-A. GRCh37 (hg19) VCF-style: chr1-215987181-G-A.
Identifiers: ClinVar variation 48632 (VCV000048632.5), dbSNP rs397518049, ClinGen allele CA143670.
Genomic context (GRCh38, chr1:215,813,839, plus strand): 5'-TGGTTGTGCCTCCTGTATTCGGCCACCACAACAAACTCCAGTAGAATTCAGAACAAACGG[G>A]ATATACTTTTCTTCACAACAGCGATGTCCAGGCTTGGGGTTATAGAGCACTCCGTTACAA-3'
Protein context (NP_996816.3, residues 3202-3222): PGHRCCEEKY[Ile3212=]PFVLNSTGVC

ClinVar aggregate classification (germline): Likely benign (1 of 4 stars; one submission).

gnomAD v4.1: 1 of 1,613,898 alleles (0.000062%); highest among the groups gnomAD compares: Non-Finnish European, 0.000085%; no homozygotes.

Submission:

Laboratory for Molecular Medicine, Mass General Brigham Personalized Medicine
Classification: Likely benign. Last evaluated: 2010-08-18. Review status: criteria provided, single submitter. Criteria: LMM Criteria. Collection method: clinical testing. Allele origin: germline. Observed: 1 variant allele.
Comment: Ile3212Ile in exon 49 of USH2A: This variant is not expected to have clinical si gnificance because it does not alter an amino acid residue and is not located ne ar a splice junction.